The following is an entry in ClinVar:

NM_001367624.2(ZNF469):c.1826C>T (p.Ser609Leu)

Gene: ZNF469 (zinc finger protein 469; plus strand). Cytogenetic location: 16q24.2.
Variant type: single nucleotide variant.
Coding change: c.1826C>T on transcript NM_001367624.2 (MANE Select); coding-DNA position 1826, C replaced by T.
Protein change: p.Ser609Leu; replaces serine 609 with leucine.
Molecular consequence: missense variant.
Genome position (GRCh38, 1-based): chr16:88,429,296, C>T. VCF-style: chr16-88429296-C-T. GRCh37 (hg19) VCF-style: chr16-88495704-C-T.
Other names: short protein forms S609L.
Identifiers: ClinVar variation 1504781 (VCV001504781.3), dbSNP rs1198085017, ClinGen allele CA397068692.
Genomic context (GRCh38, chr16:88,429,296, plus strand): 5'-GCGAGTCCCCACTGCCGTCACCGGCCACCAACACGGCCGGCAGCACCTGCTCTTCCCTGT[C>T]GCCGATGTCCAGCAGCCCAGCCAACCCCAGCTCAGAGGAAAGCCAGCTCCCCGGCCCCCT-3'
Protein context (NP_001354553.1, residues 599-619): NTAGSTCSSL[Ser609Leu]PMSSSPANPS

ClinVar aggregate classification (germline): Uncertain significance (1 of 4 stars; one submission).

Allele frequency attached by ClinVar (database versions not stated): gnomAD exomes below 0.00001 and 0.00001; gnomAD 0.00001.
gnomAD v4.1: 6 of 1,549,770 alleles (0.00039%); highest among the groups gnomAD compares: East Asian, 0.0024%; no homozygotes.

Submission:

Labcorp Genetics (formerly Invitae), Labcorp
Classification: Uncertain significance. Last evaluated: 2021-11-22. Review status: criteria provided, single submitter. Criteria: Invitae Variant Classification Sherloc (09022015). Collection method: clinical testing. Allele origin: germline.
Comment: This sequence change replaces serine, which is neutral and polar, with leucine, which is neutral and non-polar, at codon 609 of the ZNF469 protein (p.Ser609Leu). This variant is present in population databases (no rsID available, gnomAD 0.01%). This variant has not been reported in the literature in individuals affected with ZNF469-related conditions. Algorithms developed to predict the effect of missense changes on protein structure and function are either unavailable or do not agree on the potential impact of this missense change (SIFT: "Deleterious"; PolyPhen-2: "Probably Damaging"; Align-GVGD: "Class C0"). In summary, the available evidence is currently insufficient to determine the role of this variant in disease. Therefore, it has been classified as a Variant of Uncertain Significance.